The following is an entry in ClinVar:

NM_004985.5(KRAS):c.407G>A (p.Ser136Asn)

Gene: KRAS (KRas proto-oncogene, GTPase; minus strand). Cytogenetic location: 12p12.1.
Variant type: single nucleotide variant.
Coding change: c.407G>A on transcript NM_004985.5 (MANE Select); coding-DNA position 407, G replaced by A.
Protein change: p.Ser136Asn; replaces serine 136 with asparagine.
Molecular consequence: missense variant.
Genome position (GRCh38, 1-based): chr12:25,225,657, C>T on the plus strand (G>A on the coding strand, the complement: KRAS is on the minus strand). VCF-style: chr12-25225657-C-T. GRCh37 (hg19) VCF-style: chr12-25378591-C-T.
Other names: c.407G>A, p.Ser136Asn (NM_001369786.1, NM_001369787.1, NM_033360.4); short protein forms S136N.
Identifiers: ClinVar variation 503538 (VCV000503538.13), dbSNP rs757816355, ClinGen allele CA6486883.
Genomic context (GRCh38, chr12:25,225,657, plus strand): 5'-ATTTCAGTGTTACTTACCTGTCTTGTCTTTGCTGATGTTTCAATAAAAGGAATTCCATAA[C>T]TTCTTGCTAAGTCCTGAGCCTGTTTTGTGTCTACTGTTCTAGAAGGCAAATCACATTTAT-3'
Protein context (NP_004976.2, residues 126-146): DTKQAQDLAR[Ser136Asn]YGIPFIETSA

ClinVar aggregate classification (germline): Conflicting classifications of pathogenicity. Review status: criteria provided, conflicting classifications (1 of 4 stars). 6 submissions from 6 submitters: Uncertain significance (5); Likely benign (1). Last evaluated 2025-07-23.

Conditions:
Linear nevus sebaceous syndrome. Also called: SCHIMMELPENNING-FEUERSTEIN-MIMS SYNDROME, SOMATIC MOSAIC; JADASSOHN NEVUS PHAKOMATOSIS; NEVUS SEBACEUS OF JADASSOHN; ORGANOID NEVUS PHAKOMATOSIS; SFM SYNDROME; Sebaceous nevus syndrome and hemimegalencephaly. Identifiers: Orphanet 2612, MedGen C4552097, MONDO:0008097, OMIM 163200, HP:0010817.
Acute myeloid leukemia (AML). Also called: Leukemia, acute myeloid, somatic; Leukemia, acute myelogenous, somatic; Acute myeloid leukemia, adult; AML adult; Acute non-lymphocytic leukemia; Acute granulocytic leukemia. Identifiers: Orphanet 519, MedGen C0023467, MeSH D015470, MONDO:0018874, OMIM 601626, HP:0004808. Disease mechanism: Constitutively activated FLT3.
Gastric cancer. Also called: Malignant tumor of stomach; Stomach cancer. Identifiers: MedGen C0024623, MeSH D013274, MONDO:0001056, OMIM 613659, HP:0012126.
Familial cancer of breast. Also called: Hereditary breast cancer; BREAST CANCER, FAMILIAL; hereditary breast carcinoma. Identifiers: Orphanet 227535, MedGen C0346153, MONDO:0016419, OMIM 114480. Disease mechanism: loss of function.
Noonan syndrome 3 (NS3). Also called: KRAS-Related Noonan Syndrome. Identifiers: Orphanet 648, MedGen C1860991, MONDO:0012371, OMIM 609942.
Toriello-Lacassie-Droste syndrome. Identifiers: Orphanet 3339, MedGen C1838329, MONDO:0010854, OMIM 600268.
Cerebral arteriovenous malformation (BAVM). Also called: Arteriovenous malformations of the brain; CEREBRAL ARTERIOVENOUS MALFORMATIONS. Identifiers: Orphanet 46724, MedGen C0917804, MONDO:0007154, OMIM 108010, HP:0002408.
Malignant tumor of urinary bladder. Also called: Urinary Bladder Neoplasms; Urinary bladder cancer; Bladder cancer. Identifiers: MedGen C0005684, MONDO:0001187, OMIM 109800.
Autoimmune lymphoproliferative syndrome type 4. Also called: AUTOIMMUNE LYMPHOPROLIFERATIVE SYNDROME, TYPE IV; RAS-associated autoimmune leukoproliferative disorder. Identifiers: Orphanet 268114, MedGen C2674723, MONDO:0013767, OMIM 614470.
Lung cancer. Also called: Malignant tumor of lung; Lung cancer, somatic. Identifiers: MedGen C0242379, MONDO:0008903, OMIM 211980.
Cardiofaciocutaneous syndrome 2 (CFC2). Also called: KRAS-Related Cardiofaciocutaneous Syndrome. Identifiers: Orphanet 1340, MedGen C3809005, MONDO:0014112, OMIM 615278.
Familial pancreatic carcinoma. Identifiers: Orphanet 1333, MedGen C2931038, MONDO:0015278, OMIM 260350.
RASopathy. Also called: rasopathies; Noonan spectrum disorder. Identifiers: Orphanet 536391, MedGen C5555857, MONDO:0021060.

Allele frequency attached by ClinVar (database versions not stated): gnomAD 0.00001; gnomAD exomes 0.00001; ExAC 0.00002; TOPMed 0.00002.
gnomAD v4.1: 11 of 1,613,106 alleles (0.00068%); highest among the groups gnomAD compares: South Asian, 0.0011%; no homozygotes.

Submissions (6):

Labcorp Genetics (formerly Invitae), Labcorp
Classification: Uncertain significance for RASopathy. Last evaluated: 2025-07-23. Review status: criteria provided, single submitter. Criteria: Invitae Variant Classification Sherloc (09022015). Collection method: clinical testing. Allele origin: germline.
Comment: This sequence change replaces serine, which is neutral and polar, with asparagine, which is neutral and polar, at codon 136 of the KRAS protein (p.Ser136Asn). This variant is present in population databases (rs757816355, gnomAD 0.003%). This variant has not been reported in the literature in individuals affected with KRAS-related conditions. ClinVar contains an entry for this variant (Variation ID: 503538). Invitae Evidence Modeling of protein sequence and biophysical properties (such as structural, functional, and spatial information, amino acid conservation, physicochemical variation, residue mobility, and thermodynamic stability) indicates that this missense variant is not expected to disrupt KRAS protein function with a negative predictive value of 95%. In summary, the available evidence is currently insufficient to determine the role of this variant in disease. Therefore, it has been classified as a Variant of Uncertain Significance.

Laboratory of Genetics, Children's Clinical University Hospital Latvia
Classification: Likely benign. Last evaluated: 2025-02-16. Review status: criteria provided, single submitter. Criteria: ACMG Guidelines, 2015. Collection method: clinical testing. Allele origin: germline. Affected: yes.

GeneDx
Classification: Uncertain significance. Last evaluated: 2024-04-05. Review status: criteria provided, single submitter. Criteria: GeneDx Variant Classification Process June 2021. Collection method: clinical testing. Allele origin: germline. Affected: yes.
Comment: Missense variants in this gene are a common cause of disease and they are underrepresented in the general population; In silico analysis indicates that this missense variant does not alter protein structure/function; Has not been previously published as pathogenic or benign to our knowledge

Fulgent Genetics
Classification: Uncertain significance for Cerebral arteriovenous malformation; Malignant tumor of urinary bladder; Familial cancer of breast; Linear nevus sebaceous syndrome; Lung cancer; Familial pancreatic carcinoma; Toriello-Lacassie-Droste syndrome; Acute myeloid leukemia; Noonan syndrome 3; Gastric cancer; Autoimmune lymphoproliferative syndrome type 4; Cardiofaciocutaneous syndrome 2. Last evaluated: 2024-01-30. Review status: criteria provided, single submitter. Criteria: ACMG Guidelines, 2015. Collection method: clinical testing. Allele origin: germline.

Blueprint Genetics
Classification: Uncertain significance. Last evaluated: 2022-11-29. Review status: criteria provided, single submitter. Criteria: ACMG Guidelines, 2015. Collection method: clinical testing. Allele origin: germline.

Laboratory for Molecular Medicine, Mass General Brigham Personalized Medicine
Classification: Uncertain significance. Last evaluated: 2018-03-06. Review status: criteria provided, single submitter. Criteria: LMM Criteria. Collection method: clinical testing. Allele origin: germline.
Comment: Disclaimer: This variant has not undergone full assessment. The following are preliminary notes: 2/111478 Europeans chr in GnomAd; not in ClinVar, HGMD, or google search; well conserved; predicted benign by polyphen